The following is an entry in ClinVar:

NM_000313.4(PROS1):c.1871-1G>A

Gene: PROS1 (protein S; minus strand). Cytogenetic location: 3q11.1.
Variant type: single nucleotide variant.
Coding change: c.1871-1G>A on transcript NM_000313.4 (MANE Select); the canonical splice acceptor site of the intron before coding-DNA position 1871, G replaced by A.
Molecular consequence: splice acceptor variant.
Genome position (GRCh38, 1-based): chr3:93,874,406, C>T on the plus strand (G>A on the coding strand, the complement: PROS1 is on the minus strand). VCF-style: chr3-93874406-C-T. GRCh37 (hg19) VCF-style: chr3-93593250-C-T.
Other names: c.1967-1G>A (NM_001314077.2).
Identifiers: ClinVar variation 1406689 (VCV001406689.8), dbSNP rs2107120223, ClinGen allele CA353670287.

ClinVar aggregate classification (germline): Pathogenic (1 of 4 stars; one submission).

Conditions:
Thrombophilia due to protein S deficiency, autosomal recessive (THPH6). Identifiers: Orphanet 743, MedGen C3281092, MONDO:0013791, OMIM 614514. Disease mechanism: loss of function.

Submission:

Labcorp Genetics (formerly Invitae), Labcorp
Classification: Pathogenic for Thrombophilia due to protein S deficiency, autosomal recessive. Last evaluated: 2021-01-27. Review status: criteria provided, single submitter. Criteria: Invitae Variant Classification Sherloc (09022015). Collection method: clinical testing. Allele origin: germline.
Comment: For these reasons, this variant has been classified as Pathogenic. Nucleotide substitutions within the consensus splice site are a relatively common cause of aberrant splicing (PMID: 17576681, 9536098). Algorithms developed to predict the effect of sequence changes on RNA splicing suggest that this variant may disrupt the consensus splice site, but this prediction has not been confirmed by published transcriptional studies. Variants at this splice site have been observed in individual(s) with protein S deficiency disease (PMID: 9031442, 30669159, Invitae ). This variant is not present in population databases (ExAC no frequency). This sequence change affects an acceptor splice site in intron 14 of the PROS1 gene. While this variant is not anticipated to result in nonsense mediated decay, it likely alters RNA splicing and results in a disrupted protein product.

Literature cited by the submitters: PubMed 17576681; PubMed 9536098; PubMed 9031442; PubMed 30669159.